The following is an entry in ClinVar:

NM_133259.4(LRPPRC):c.1390G>C (p.Gly464Arg)

Gene: LRPPRC (leucine rich pentatricopeptide repeat containing; minus strand). Cytogenetic location: 2p21.
Variant type: single nucleotide variant.
Coding change: c.1390G>C on transcript NM_133259.4 (MANE Select); coding-DNA position 1390, G replaced by C.
Protein change: p.Gly464Arg; replaces glycine 464 with arginine.
Molecular consequence: missense variant.
Genome position (GRCh38, 1-based): chr2:43,963,686, C>G on the plus strand (G>C on the coding strand, the complement: LRPPRC is on the minus strand). VCF-style: chr2-43963686-C-G. GRCh37 (hg19) VCF-style: chr2-44190825-C-G.
Other names: short protein forms G464R.
Identifiers: ClinVar variation 377272 (VCV000377272.4), dbSNP rs957783084, ClinGen allele CA16603322.

ClinVar aggregate classification (germline): Uncertain significance. Review status: criteria provided, single submitter (1 of 4 stars). 2 submissions from 2 submitters: Uncertain significance (1). 1 of the submissions does not count toward it. Last evaluated 2016-09-28.

Conditions:
Congenital lactic acidosis, Saguenay-Lac-Saint-Jean type (MC4DN5). Also called: MITOCHONDRIAL COMPLEX IV DEFICIENCY, NUCLEAR TYPE 5; CYTOCHROME c OXIDASE DEFICIENCY, FRENCH CANADIAN TYPE; COX DEFICIENCY, FRENCH CANADIAN TYPE. Identifiers: Orphanet 70472, MedGen C1857355, MONDO:0009069, OMIM 220111.

Allele frequency attached by ClinVar (database versions not stated): TOPMed 0.00001.
gnomAD v4.1: 23 of 1,587,442 alleles (0.0014%); highest among the groups gnomAD compares: Non-Finnish European, 0.0017%; no homozygotes.

Submissions (2):

Center for Pediatric Genomic Medicine, Children's Mercy Hospital and Clinics
Classification: Uncertain significance. Last evaluated: 2016-09-28. Review status: criteria provided, single submitter. Criteria: ACMG Guidelines, 2015. Collection method: clinical testing. Allele origin: germline.
ClinVar note: Converted during submission from Uncertain Significance to Uncertain significance.

Natera, Inc.
Classification: Uncertain significance for French-Canadian type Leigh syndrome. Last evaluated: 2020-12-03. Review status: no assertion criteria provided. Collection method: clinical testing. Allele origin: germline. Not counted in ClinVar's aggregate classification.